The following is an entry in ClinVar:

NM_004360.5(CDH1):c.2079C>T (p.Gly693=)

Gene: CDH1 (cadherin 1; plus strand). Cytogenetic location: 16q22.1.
Variant type: single nucleotide variant.
Coding change: c.2079C>T on transcript NM_004360.5 (MANE Select); coding-DNA position 2079, C replaced by T.
Protein change: p.Gly693=; no amino-acid change (glycine 693 retained).
Molecular consequence: synonymous variant.
Genome position (GRCh38, 1-based): chr16:68,823,541, C>T. VCF-style: chr16-68823541-C-T. GRCh37 (hg19) VCF-style: chr16-68857444-C-T.
Other names: c.2079C>T (LRG_301t1); c.1896C>T, p.Gly632= (NM_001317184.2); c.531C>T, p.Gly177= (NM_001317185.2); c.114C>T, p.Gly38= (NM_001317186.2).
Identifiers: ClinVar variation 184654 (VCV000184654.28), dbSNP rs771993728, ClinGen allele CA189603.

ClinVar aggregate classification (germline): Conflicting classifications of pathogenicity. Review status: criteria provided, conflicting classifications (1 of 4 stars). 11 submissions from 11 submitters: Uncertain significance (1); Benign (2); Likely benign (7). 1 of the submissions does not count toward it. Last evaluated 2025-12-28.

Conditions:
CDH1-related disorder. Also called: CDH1-related condition.
Ovarian cancer. Also called: OVARIAN CANCER, SOMATIC. Identifiers: Orphanet 213500, MedGen C1140680, MONDO:0008170, OMIM 167000.
Familial cancer of breast. Also called: BREAST CANCER, FAMILIAL; hereditary breast carcinoma; Hereditary breast cancer. Identifiers: Orphanet 227535, MedGen C0346153, MONDO:0016419, OMIM 114480. Disease mechanism: loss of function.
Hereditary cancer-predisposing syndrome. Also called: Tumor predisposition; Neoplastic Syndromes, Hereditary; Hereditary neoplastic syndrome; Hereditary Cancer Syndrome. Identifiers: Orphanet 140162, MedGen C0027672, MeSH D009386, MONDO:0015356.
Hereditary diffuse gastric adenocarcinoma (HDGC). Also called: DIFFUSE GASTRIC AND LOBULAR BREAST CANCER SYNDROME. Identifiers: Orphanet 26106, MedGen C1708349, MONDO:0007648, OMIM 137215.

Allele frequency attached by ClinVar (database versions not stated): TOPMed below 0.00001; gnomAD exomes 0.00001 and 0.00002; ExAC 0.00003.
gnomAD v4.1: 14 of 1,613,968 alleles (0.00087%); highest among the groups gnomAD compares: East Asian, 0.0045%; no homozygotes.

Submissions (11):

Labcorp Genetics (formerly Invitae), Labcorp
Classification: Likely benign for Hereditary diffuse gastric adenocarcinoma. Last evaluated: 2025-12-28. Review status: criteria provided, single submitter. Criteria: Invitae Variant Classification Sherloc (09022015). Collection method: clinical testing. Allele origin: germline.

Myriad Genetics, Inc.
Classification: Benign for Hereditary diffuse gastric adenocarcinoma. Last evaluated: 2024-09-20. Review status: criteria provided, single submitter. Criteria: Myriad Autosomal Dominant, Autosomal Recessive and X-Linked Classification Criteria (2023). Collection method: clinical testing. Allele origin: unknown.
Comment: This variant is considered benign. This variant is a silent/synonymous amino acid change and it is not expected to impact splicing.

Blueprint Genetics
Classification: Likely benign. Last evaluated: 2023-12-19. Review status: criteria provided, single submitter. Criteria: ACMG Guidelines, 2015. Collection method: clinical testing. Allele origin: germline.

European Reference Network on Genetic Tumour Risk Syndromes (ERN-GENTURIS), i3s - Instituto de Investigação e Inovação em Saúde, University of Porto
Classification: Uncertain significance for Hereditary diffuse gastric adenocarcinoma. Last evaluated: 2022-08-01. Review status: criteria provided, single submitter. Criteria: Lee et al. (Hum Mutat. 2018). Collection method: clinical testing. Allele origin: germline. Inheritance: Autosomal dominant inheritance. Affected: yes. Study: ERN GENTURIS.
Comment: PS4_Moderate (PMID: 30311375)

Department of Pathology and Laboratory Medicine, Sinai Health System
Classification: Likely benign for Familial cancer of breast; Ovarian cancer. Last evaluated: 2022-05-02. Review status: criteria provided, single submitter. Criteria: ACMG Guidelines, 2015. Collection method: clinical testing. Allele origin: germline. Affected: yes.

Color Diagnostics, LLC DBA Color Health
Classification: Likely benign for Hereditary cancer-predisposing syndrome. Last evaluated: 2018-07-24. Review status: criteria provided, single submitter. Criteria: ACMG Guidelines, 2015. Collection method: clinical testing. Allele origin: germline.

GeneDx
Classification: Likely benign. Last evaluated: 2018-05-15. Review status: criteria provided, single submitter. Criteria: GeneDx Variant Classification (06012015). Collection method: clinical testing. Allele origin: germline. Affected: yes.
Comment: This variant is considered likely benign or benign based on one or more of the following criteria: it is a conservative change, it occurs at a poorly conserved position in the protein, it is predicted to be benign by multiple in silico algorithms, and/or has population frequency not consistent with disease.

Illumina Laboratory Services, Illumina
Classification: Benign for Hereditary diffuse gastric adenocarcinoma. Last evaluated: 2018-01-13. Review status: criteria provided, single submitter. Criteria: ICSL Variant Classification Criteria 13 December 2019. Collection method: clinical testing. Allele origin: germline.
Comment: This variant was observed in the ICSL laboratory as part of a predisposition screen in an ostensibly healthy population. It had not been previously curated by ICSL or reported in the Human Gene Mutation Database (HGMD: prior to June 1st, 2018), and was therefore a candidate for classification through an automated scoring system. Utilizing variant allele frequency, disease prevalence and penetrance estimates, and inheritance mode, an automated score was calculated to assess if this variant is too frequent to cause the disease. Based on the score and internal cut-off values, a variant classified as benign is not then subjected to further curation. The score for this variant resulted in a classification of benign for this disease.

Quest Diagnostics Nichols Institute San Juan Capistrano
Classification: Likely benign. Last evaluated: 2017-05-04. Review status: criteria provided, single submitter. Criteria: Quest Diagnostics criteria. Collection method: clinical testing. Allele origin: germline.

Ambry Genetics
Classification: Likely benign for Hereditary cancer-predisposing syndrome. Last evaluated: 2015-09-17. Review status: criteria provided, single submitter. Criteria: Ambry Variant Classification Scheme 2023. Collection method: clinical testing. Allele origin: germline.

PreventionGenetics, part of Exact Sciences
Classification: Likely benign for CDH1-related condition. Last evaluated: 2022-06-07. Review status: no assertion criteria provided. Collection method: clinical testing. Allele origin: germline. Not counted in ClinVar's aggregate classification.
Comment: This variant is classified as likely benign based on ACMG/AMP sequence variant interpretation guidelines (Richards et al. 2015 PMID: 25741868, with internal and published modifications).

Literature cited by the submitters: PubMed 36436516 (cited by European Reference Network on Genetic Tumour Risk Syndromes (ERN-GENTURIS), i3s - Instituto de Investigação e Inovação em Saúde, University of Porto).